The following is an entry in ClinVar:

NM_000812.4(GABRB1):c.1363A>C (p.Met455Leu)

Gene: GABRB1 (gamma-aminobutyric acid type A receptor subunit beta1; plus strand). Cytogenetic location: 4p12.
Variant type: single nucleotide variant.
Coding change: c.1363A>C on transcript NM_000812.4 (MANE Select); coding-DNA position 1363, A replaced by C.
Protein change: p.Met455Leu; replaces methionine 455 with leucine.
Molecular consequence: missense variant.
Genome position (GRCh38, 1-based): chr4:47,425,956, A>C. VCF-style: chr4-47425956-A-C. GRCh37 (hg19) VCF-style: chr4-47427973-A-C.
Other names: short protein forms M455L.
Identifiers: ClinVar variation 3371399 (VCV003371399.1).
Genomic context (GRCh38, chr4:47,425,956, plus strand): 5'-CAGCTCAAAGTCAAGATCCCCGACTTGACTGATGTGAATTCCATAGACAAGTGGTCCCGA[A>C]TGTTTTTCCCCATCACCTTTTCTCTTTTTAATGTCGTCTATTGGCTTTACTATGTACACT-3'
Protein context (NP_000803.2, residues 445-465): DVNSIDKWSR[Met455Leu]FFPITFSLFN

ClinVar aggregate classification (germline): Uncertain significance (1 of 4 stars; one submission).

gnomAD v4.1: 1 of 1,612,954 alleles (0.000062%); highest among the groups gnomAD compares: Non-Finnish European, 0.000085%; no homozygotes.

Submission:

GeneDx
Classification: Uncertain significance. Last evaluated: 2024-03-25. Review status: criteria provided, single submitter. Criteria: GeneDx Variant Classification Process June 2021. Collection method: clinical testing. Allele origin: germline. Affected: yes.
Comment: Not observed at significant frequency in large population cohorts (gnomAD); In silico analysis supports that this missense variant does not alter protein structure/function; Has not been previously published as pathogenic or benign to our knowledge